The following is an entry in ClinVar:

NM_001382391.1(CSPP1):c.2234G>A (p.Arg745His)

Gene: CSPP1 (centrosome and spindle pole associated protein 1; plus strand). Cytogenetic location: 8q13.2.
Variant type: single nucleotide variant.
Coding change: c.2234G>A on transcript NM_001382391.1 (MANE Select); coding-DNA position 2234, G replaced by A.
Protein change: p.Arg745His; replaces arginine 745 with histidine.
Molecular consequence: missense variant.
Genome position (GRCh38, 1-based): chr8:67,154,129, G>A. VCF-style: chr8-67154129-G-A. GRCh37 (hg19) VCF-style: chr8-68066364-G-A.
Other names: c.1184G>A, p.Arg395His (NM_001291339.2); c.2153G>A, p.Arg718His (NM_001363131.2); c.2039G>A, p.Arg680His (NM_001363132.2); c.1958G>A, p.Arg653His (NM_001363133.2); c.2300G>A, p.Arg767His (NM_001364869.1); c.2120G>A, p.Arg707His (NM_001364870.1); c.2219G>A, p.Arg740His (NM_024790.7); short protein forms R653H, R740H, R707H, R767H, R395H, R680H, R718H, R745H.
Identifiers: ClinVar variation 849695 (VCV000849695.7), dbSNP rs769971911, ClinGen allele CA4770775.

ClinVar aggregate classification (germline): Uncertain significance (1 of 4 stars; one submission).

Conditions:
Joubert syndrome 21 (JBTS21). Identifiers: MedGen C3810212, MONDO:0014288, OMIM 615636.

Allele frequency attached by ClinVar (database versions not stated): gnomAD 0.00001; TOPMed 0.00002; gnomAD exomes 0.00007; ExAC 0.00008.
gnomAD v4.1: 29 of 1,471,840 alleles (0.002%); highest among the groups gnomAD compares: Admixed American, 0.036%; no homozygotes.

Submission:

Labcorp Genetics (formerly Invitae), Labcorp
Classification: Uncertain significance for Joubert syndrome 21. Last evaluated: 2022-10-17. Review status: criteria provided, single submitter. Criteria: Invitae Variant Classification Sherloc (09022015). Collection method: clinical testing. Allele origin: germline.
Comment: This sequence change replaces arginine, which is basic and polar, with histidine, which is basic and polar, at codon 740 of the CSPP1 protein (p.Arg740His). This variant is present in population databases (rs769971911, gnomAD 0.04%). This missense change has been observed in individual(s) with clinical features of CSPP1-related conditions (PMID: 24360803). ClinVar contains an entry for this variant (Variation ID: 849695). Algorithms developed to predict the effect of missense changes on protein structure and function are either unavailable or do not agree on the potential impact of this missense change (SIFT: "Deleterious"; PolyPhen-2: "Probably Damaging"; Align-GVGD: "Class C0"). In summary, the available evidence is currently insufficient to determine the role of this variant in disease. Therefore, it has been classified as a Variant of Uncertain Significance.

Literature cited by the submitters: PubMed 24360803.